The following is an entry in ClinVar:

ClinVar aggregate classification (germline): Uncertain significance. Review status: criteria provided, multiple submitters, no conflicts (2 of 4 stars). 2 submissions from 2 submitters: Uncertain significance (2). Last evaluated 2024-10-14.

Conditions:
Nephrotic syndrome, type 3 (NPHS3). Also called: NEPHROTIC SYNDROME, EARLY-ONSET, TYPE 3. Identifiers: Orphanet 656, MedGen C1853124, MONDO:0012546, OMIM 610725.
Inborn genetic diseases. Identifiers: MedGen C0950123, MeSH D030342.

gnomAD v4.1: 88 of 1,614,144 alleles (0.0055%); highest among the groups gnomAD compares: Middle Eastern, 0.033%; 1 homozygote.

Submissions (2):

Clinical Genomics Laboratory, Washington University in St. Louis
Classification: Uncertain significance for Nephrotic syndrome, type 3. Last evaluated: 2024-10-14. Review status: criteria provided, single submitter. Criteria: ACMG Guidelines, 2015. Collection method: clinical testing. Allele origin: germline.
Comment: A PLCE1 c.2171T>C (p.Met724Thr) variant was identified. This variant, to our knowledge, has not been reported in the medical literature or in the ClinVar database. It is only observed on 15/280,886 alleles in the general population (gnomAD v.2.1.1), indicating it is not a common variant. Computational predictors suggest that the variant does not impact PLCE1 function. Due to limited information, and based on ACMG/AMP guidelines for variant interpretation (Richards S et al., PMID: 25741868), the clinical significance of this variant is uncertain at this time.

Ambry Genetics
Classification: Uncertain significance for Inborn genetic diseases. Last evaluated: 2024-03-25. Review status: criteria provided, single submitter. Criteria: Ambry Variant Classification Scheme 2023. Collection method: clinical testing. Allele origin: germline.

NM_016341.4(PLCE1):c.2171T>C (p.Met724Thr)

Gene: PLCE1 (phospholipase C epsilon 1; plus strand). Cytogenetic location: 10q23.33.
Variant type: single nucleotide variant.
Coding change: c.2171T>C on transcript NM_016341.4 (MANE Select); coding-DNA position 2171, T replaced by C.
Protein change: p.Met724Thr; replaces methionine 724 with threonine.
Molecular consequence: missense variant.
Genome position (GRCh38, 1-based): chr10:94,234,269, T>C. VCF-style: chr10-94234269-T-C. GRCh37 (hg19) VCF-style: chr10-95994026-T-C.
Other names: c.1247T>C, p.Met416Thr (NM_001165979.2); c.2171T>C, p.Met724Thr (NM_001288989.2); short protein forms M416T, M724T.
Identifiers: ClinVar variation 3307350 (VCV003307350.2).